The following is an entry in ClinVar:

NM_000138.5(FBN1):c.7571A>G (p.Asp2524Gly)

Gene: FBN1 (fibrillin 1; minus strand). Cytogenetic location: 15q21.1.
Variant type: single nucleotide variant.
Coding change: c.7571A>G on transcript NM_000138.5 (MANE Select); coding-DNA position 7571, A replaced by G.
Protein change: p.Asp2524Gly; replaces aspartic acid 2524 with glycine.
Molecular consequence: missense variant.
Genome position (GRCh38, 1-based): chr15:48,421,686, T>C on the plus strand (A>G on the coding strand, the complement: FBN1 is on the minus strand). VCF-style: chr15-48421686-T-C. GRCh37 (hg19) VCF-style: chr15-48713883-T-C.
Other names: c.7571A>G, p.Asp2524Gly (NM_001406716.1); short protein forms D2524G.
Identifiers: ClinVar variation 3756045 (VCV003756045.2).

ClinVar aggregate classification (germline): Uncertain significance (1 of 4 stars; one submission).

Conditions:
Marfan syndrome (MFS). Also called: MARFAN SYNDROME, TYPE I; Marfan syndrome type 1; Marfan's syndrome; Marfan syndrome, classic; FBN1-Related Marfan Syndrome. Identifiers: Orphanet 284963, Orphanet 558, MedGen C0024796, MONDO:0007947, OMIM 154700.
Familial thoracic aortic aneurysm and aortic dissection (TAAD). Also called: Thoracic aortic aneurysms and dissections. Identifiers: Orphanet 91387, MedGen C4707243, MONDO:0019625.

Submission:

Labcorp Genetics (formerly Invitae), Labcorp
Classification: Uncertain significance for Marfan syndrome; Familial thoracic aortic aneurysm and aortic dissection. Last evaluated: 2025-06-15. Review status: criteria provided, single submitter. Criteria: Invitae Variant Classification Sherloc (09022015). Collection method: clinical testing. Allele origin: germline.
Comment: This sequence change replaces aspartic acid, which is acidic and polar, with glycine, which is neutral and non-polar, at codon 2524 of the FBN1 protein (p.Asp2524Gly). This variant is not present in population databases (gnomAD no frequency). This missense change has been observed in individual(s) with Marfan syndrome (internal data). ClinVar contains an entry for this variant (Variation ID: 3756045). An algorithm developed to predict the effect of missense changes on protein structure and function (PolyPhen-2) suggests that this variant is likely to be disruptive. In summary, the available evidence is currently insufficient to determine the role of this variant in disease. Therefore, it has been classified as a Variant of Uncertain Significance.